The following is an entry in ClinVar:

NM_003072.5(SMARCA4):c.124A>C (p.Met42Leu)

Gene: SMARCA4 (SWI/SNF related BAF chromatin remodeling complex subunit ATPase 4; plus strand). Cytogenetic location: 19p13.2.
Variant type: single nucleotide variant.
Coding change: c.124A>C on transcript NM_003072.5 (MANE Select); coding-DNA position 124, A replaced by C.
Protein change: p.Met42Leu; replaces methionine 42 with leucine.
Molecular consequence: missense variant. On other transcripts: non-coding transcript variant (1).
Genome position (GRCh38, 1-based): chr19:10,984,275, A>C. VCF-style: chr19-10984275-A-C. GRCh37 (hg19) VCF-style: chr19-11094951-A-C.
Other names: c.124A>C, p.Met42Leu (NM_001128844.3, NM_001128845.2, NM_001128846.2 and 5 more transcripts); short protein forms M42L.
Identifiers: ClinVar variation 1518042 (VCV001518042.9), dbSNP rs1060502081, ClinGen allele CA404054336.

ClinVar aggregate classification (germline): Uncertain significance. Review status: criteria provided, multiple submitters, no conflicts (2 of 4 stars). 2 submissions from 2 submitters: Uncertain significance (2). Last evaluated 2025-09-28.

Conditions:
Hereditary cancer-predisposing syndrome. Also called: Tumor predisposition; Neoplastic Syndromes, Hereditary; Hereditary neoplastic syndrome; Hereditary Cancer Syndrome. Identifiers: Orphanet 140162, MedGen C0027672, MeSH D009386, MONDO:0015356.
Rhabdoid tumor predisposition syndrome 2 (RTPS2). Identifiers: Orphanet 231108, Orphanet 69077, MedGen C2750074, MONDO:0013224, OMIM 613325.

Submissions (2):

Labcorp Genetics (formerly Invitae), Labcorp
Classification: Uncertain significance for Rhabdoid tumor predisposition syndrome 2. Last evaluated: 2025-09-28. Review status: criteria provided, single submitter. Criteria: Invitae Variant Classification Sherloc (09022015). Collection method: clinical testing. Allele origin: germline.
Comment: This sequence change replaces methionine, which is neutral and non-polar, with leucine, which is neutral and non-polar, at codon 42 of the SMARCA4 protein (p.Met42Leu). This variant is not present in population databases (gnomAD no frequency). This variant has not been reported in the literature in individuals affected with SMARCA4-related conditions. ClinVar contains an entry for this variant (Variation ID: 1518042). Invitae Evidence Modeling of protein sequence and biophysical properties (such as structural, functional, and spatial information, amino acid conservation, physicochemical variation, residue mobility, and thermodynamic stability) indicates that this missense variant is not expected to disrupt SMARCA4 protein function with a negative predictive value of 95%. In summary, the available evidence is currently insufficient to determine the role of this variant in disease. Therefore, it has been classified as a Variant of Uncertain Significance.

Ambry Genetics
Classification: Uncertain significance for Hereditary cancer-predisposing syndrome. Last evaluated: 2024-07-17. Review status: criteria provided, single submitter. Criteria: Ambry Variant Classification Scheme 2023. Collection method: clinical testing. Allele origin: germline.
Comment: The p.M42L variant (also known as c.124A>C), located in coding exon 1 of the SMARCA4 gene, results from an A to C substitution at nucleotide position 124. The methionine at codon 42 is replaced by leucine, an amino acid with highly similar properties. This amino acid position is highly conserved in available vertebrate species. In addition, the in silico prediction for this alteration is inconclusive. Based on the available evidence, the clinical significance of this variant remains unclear.